The following is an entry in ClinVar:

ClinVar aggregate classification (germline): Uncertain significance (1 of 4 stars; one submission).

Allele frequency attached by ClinVar (database versions not stated): ExAC 0.00001; gnomAD exomes 0.00002.
gnomAD v4.1: 23 of 1,598,344 alleles (0.0014%); highest among the groups gnomAD compares: Non-Finnish European, 0.002%; no homozygotes.

Submission:

Labcorp Genetics (formerly Invitae), Labcorp
Classification: Uncertain significance. Last evaluated: 2022-05-10. Review status: criteria provided, single submitter. Criteria: Invitae Variant Classification Sherloc (09022015). Collection method: clinical testing. Allele origin: germline.
Comment: This sequence change replaces glutamic acid, which is acidic and polar, with aspartic acid, which is acidic and polar, at codon 2097 of the CACNA1E protein (p.Glu2097Asp). This variant has not been reported in the literature in individuals affected with CACNA1E-related conditions. This variant is present in population databases (rs756411176, gnomAD 0.0009%). Advanced modeling of protein sequence and biophysical properties (such as structural, functional, and spatial information, amino acid conservation, physicochemical variation, residue mobility, and thermodynamic stability) performed at Invitae indicates that this missense variant is not expected to disrupt CACNA1E protein function. Algorithms developed to predict the effect of sequence changes on RNA splicing suggest that this variant may disrupt the consensus splice site. In summary, the available evidence is currently insufficient to determine the role of this variant in disease. Therefore, it has been classified as a Variant of Uncertain Significance.

NM_001205293.3(CACNA1E):c.6420G>T (p.Glu2140Asp)

Gene: CACNA1E (calcium voltage-gated channel subunit alpha1 E; plus strand). Cytogenetic location: 1q25.3.
Variant type: single nucleotide variant.
Coding change: c.6420G>T on transcript NM_001205293.3 (MANE Select); coding-DNA position 6420, G replaced by T.
Protein change: p.Glu2140Asp; replaces glutamic acid 2140 with aspartic acid.
Molecular consequence: missense variant.
Genome position (GRCh38, 1-based): chr1:181,798,312, G>T. VCF-style: chr1-181798312-G-T. GRCh37 (hg19) VCF-style: chr1-181767448-G-T.
Other names: c.6291G>T, p.Glu2097Asp (NM_000721.4); c.6234G>T, p.Glu2078Asp (NM_001205294.2); short protein forms E2078D, E2140D, E2097D.
Identifiers: ClinVar variation 2130743 (VCV002130743.4), dbSNP rs756411176, ClinGen allele CA1276405.